The following is an entry in ClinVar:

NM_003640.5(ELP1):c.150+145A>G

Gene: ELP1 (elongator acetyltransferase complex subunit 1; minus strand). Cytogenetic location: 9q31.3.
Variant type: single nucleotide variant.
Coding change: c.150+145A>G on transcript NM_003640.5 (MANE Select); 145 bases into the intron after coding-DNA position 150, A replaced by G.
Molecular consequence: intron variant.
Genome position (GRCh38, 1-based): chr9:108,930,852, T>C on the plus strand (A>G on the coding strand, the complement: ELP1 is on the minus strand). VCF-style: chr9-108930852-T-C. GRCh37 (hg19) VCF-style: chr9-111693132-T-C.
Other names: c.-193+145A>G (NM_001318360.2); c.-710+145A>G (NM_001330749.2).
Identifiers: ClinVar variation 681852 (VCV000681852.2), dbSNP rs838818, ClinGen allele CA12967378.
Genomic context (GRCh38, chr9:108,930,852, plus strand): 5'-GACTTAGGTTAAAATAGCAGCAGAGTTAAAGAAGGATTACGATTTAAGCTATGTCTAACA[T>C]GGCATATATATGAAGCAAAAGATGTTTATTTGGGAGGATATAAATTCAATAAGATATAAA-3'

ClinVar aggregate classification (germline): Benign. Review status: criteria provided, multiple submitters, no conflicts (2 of 4 stars). 2 submissions from 2 submitters: Benign (2). Last evaluated 2018-06-19.

Allele frequency attached by ClinVar (database versions not stated): TOPMed 0.38044; 1000 Genomes Project 0.39377; 1000 Genomes Project 30x 0.39538.
gnomAD v4.1: 281,851 of 775,328 alleles (36%); highest among the groups gnomAD compares: African/African-American, 49%; 52,464 homozygotes.

Submissions (2):

GeneDx
Classification: Benign. Last evaluated: 2018-06-19. Review status: criteria provided, single submitter. Criteria: GeneDx Variant Classification (06012015). Collection method: clinical testing. Allele origin: germline. Affected: yes.
Comment: This variant is considered likely benign or benign based on one or more of the following criteria: it is a conservative change, it occurs at a poorly conserved position in the protein, it is predicted to be benign by multiple in silico algorithms, and/or has population frequency not consistent with disease.

Breakthrough Genomics
Classification: Benign. Review status: criteria provided, single submitter. Criteria: ACMG Guidelines, 2015. Collection method: not provided. Allele origin: germline. Inheritance: Autosomal recessive inheritance. Affected: yes.